The following is an entry in ClinVar:

NM_001854.4(COL11A1):c.1694G>T (p.Gly565Val)

Gene: COL11A1 (collagen type XI alpha 1 chain; minus strand). Cytogenetic location: 1p21.1.
Variant type: single nucleotide variant.
Coding change: c.1694G>T on transcript NM_001854.4 (MANE Select); coding-DNA position 1694, G replaced by T.
Protein change: p.Gly565Val; replaces glycine 565 with valine.
Molecular consequence: missense variant. On other transcripts: non-coding transcript variant (1).
Genome position (GRCh38, 1-based): chr1:103,006,305, C>A on the plus strand (G>T on the coding strand, the complement: COL11A1 is on the minus strand). VCF-style: chr1-103006305-C-A. GRCh37 (hg19) VCF-style: chr1-103471861-C-A.
Other names: c.1730G>T, p.Gly577Val (NM_080629.3); c.1346G>T, p.Gly449Val (NM_080630.4); c.1577G>T, p.Gly526Val (NM_001190709.2); short protein forms G526V, G565V, G577V, G449V.
Identifiers: ClinVar variation 1403006 (VCV001403006.6), dbSNP rs2101854719, ClinGen allele CA341175190.
Genomic context (GRCh38, chr1:103,006,305, plus strand): 5'-ATGAAAATAAGCCATACCCTTTTTCCAGGTTTTCCCGTTGGACCAGGGGGACCCTGGACG[C>A]CTCGAGGGCCCTATATCAAGACATCATAATTAAACCATATTATAGAATTCTTGATCAATA-3'
Protein context (NP_001845.3, residues 555-575): SGDPGPQGPR[Gly565Val]VQGPPGPTGK

ClinVar aggregate classification (germline): Uncertain significance (1 of 4 stars; one submission).

Submission:

Labcorp Genetics (formerly Invitae), Labcorp
Classification: Uncertain significance. Last evaluated: 2022-09-07. Review status: criteria provided, single submitter. Criteria: Invitae Variant Classification Sherloc (09022015). Collection method: clinical testing. Allele origin: germline.
Comment: Advanced modeling of protein sequence and biophysical properties (such as structural, functional, and spatial information, amino acid conservation, physicochemical variation, residue mobility, and thermodynamic stability) performed at Invitae indicates that this missense variant is expected to disrupt COL11A1 protein function. In summary, the available evidence is currently insufficient to determine the role of this variant in disease. Therefore, it has been classified as a Variant of Uncertain Significance. ClinVar contains an entry for this variant (Variation ID: 1403006). This missense change has been observed in individual(s) with autosomal dominant Stickler syndrome (PMID: 20513134). This variant is not present in population databases (gnomAD no frequency). This sequence change replaces glycine, which is neutral and non-polar, with valine, which is neutral and non-polar, at codon 565 of the COL11A1 protein (p.Gly565Val).

Literature cited by the submitters: PubMed 20513134.